The following is an entry in ClinVar:

ClinVar aggregate classification (germline): Uncertain significance (1 of 4 stars; one submission).

Conditions:
Hereditary cancer-predisposing syndrome. Also called: Neoplastic Syndromes, Hereditary; Hereditary neoplastic syndrome; Tumor predisposition; Hereditary Cancer Syndrome. Identifiers: Orphanet 140162, MedGen C0027672, MeSH D009386, MONDO:0015356.

Submission:

Ambry Genetics
Classification: Uncertain significance for Hereditary cancer-predisposing syndrome. Last evaluated: 2026-03-11. Review status: criteria provided, single submitter. Criteria: Ambry Variant Classification Scheme 2023. Collection method: clinical testing. Allele origin: germline.
Comment: The c.1890+4A>G intronic variant results from an A to G substitution 4 nucleotides after coding exon 14 in the BAP1 gene. In silico splice site analysis predicts that this alteration will result in the creation or strengthening of a novel splice donor site; however, direct evidence is insufficient at this time (Ambry internal data). Based on the available evidence, the clinical significance of this variant remains unclear.

NM_004656.4(BAP1):c.1890+4A>G

Gene: BAP1 (BRCA1 associated deubiquitinase 1; minus strand). Cytogenetic location: 3p21.1.
Variant type: single nucleotide variant.
Coding change: c.1890+4A>G on transcript NM_004656.4 (MANE Select); 4 bases into the intron after coding-DNA position 1890, A replaced by G.
Molecular consequence: intron variant.
Genome position (GRCh38, 1-based): chr3:52,403,134, T>C on the plus strand (A>G on the coding strand, the complement: BAP1 is on the minus strand). VCF-style: chr3-52403134-T-C. GRCh37 (hg19) VCF-style: chr3-52437150-T-C.
Other names: c.1836+4A>G (NM_001410772.1).
Identifiers: ClinVar variation 4824101 (VCV004824101.1).
Genomic context (GRCh38, chr3:52,403,134, plus strand): 5'-GCAGGAGGAGCTCAGGCCTTACCCTCTGCCAGGATTAAAGGAGAAAACCACAACGGAGGC[T>C]CACCTTGGGTGAGTATTTCTCCCCACTCAAGGGCTCGCCAGGCCTCACCATCCCCGTCTT-3'